The following is an entry in ClinVar:

ClinVar aggregate classification (germline): Uncertain significance (1 of 4 stars; one submission).

Conditions:
Charcot-Marie-Tooth disease axonal type 2O. Also called: CHARCOT-MARIE-TOOTH NEUROPATHY, AXONAL, TYPE 2O; CHARCOT-MARIE-TOOTH DISEASE, AXONAL, AUTOSOMAL DOMINANT, TYPE 2O; Charcot-Marie-Tooth Neuropathy Type 2O; Charcot-Marie-Tooth disease, axonal, type 20. Identifiers: Orphanet 284232, MedGen C3280220, MONDO:0013644, OMIM 614228.

gnomAD v4.1: 3 of 1,614,148 alleles (0.00019%); highest among the groups gnomAD compares: East Asian, 0.0022%; no homozygotes.

Submission:

Labcorp Genetics (formerly Invitae), Labcorp
Classification: Uncertain significance for Charcot-Marie-Tooth disease axonal type 2O. Last evaluated: 2026-01-12. Review status: criteria provided, single submitter. Criteria: Invitae Variant Classification Sherloc (09022015). Collection method: clinical testing. Allele origin: germline.
Comment: This sequence change replaces arginine, which is basic and polar, with histidine, which is basic and polar, at codon 4000 of the DYNC1H1 protein (p.Arg4000His). This variant is not present in population databases (gnomAD no frequency). This variant has not been reported in the literature in individuals affected with DYNC1H1-related conditions. Invitae Evidence Modeling of protein sequence and biophysical properties (such as structural, functional, and spatial information, amino acid conservation, physicochemical variation, residue mobility, and thermodynamic stability) has been performed for this missense variant. However, the output from this modeling did not meet the statistical confidence thresholds required to predict the impact of this variant on DYNC1H1 protein function. In summary, the available evidence is currently insufficient to determine the role of this variant in disease. Therefore, it has been classified as a Variant of Uncertain Significance.

NM_001376.5(DYNC1H1):c.11999G>A (p.Arg4000His)

Gene: DYNC1H1 (dynein cytoplasmic 1 heavy chain 1; plus strand). Cytogenetic location: 14q32.31.
Variant type: single nucleotide variant.
Coding change: c.11999G>A on transcript NM_001376.5 (MANE Select); coding-DNA position 11999, G replaced by A.
Protein change: p.Arg4000His; replaces arginine 4000 with histidine.
Molecular consequence: missense variant.
Genome position (GRCh38, 1-based): chr14:102,041,631, G>A. VCF-style: chr14-102041631-G-A. GRCh37 (hg19) VCF-style: chr14-102507968-G-A.
Other names: short protein forms R4000H.
Identifiers: ClinVar variation 4706574 (VCV004706574.1).